The following is an entry in ClinVar:

ClinVar aggregate classification (germline): Conflicting classifications of pathogenicity. Review status: criteria provided, conflicting classifications (1 of 4 stars). 6 submissions from 6 submitters: Uncertain significance (2); Likely benign (3). 1 of the submissions does not count toward it. Last evaluated 2026-06-17.

Conditions:
PSEN2-related disorder. Also called: PSEN2-related condition.
Alzheimer disease 4 (AD4). Identifiers: Orphanet 1020, MedGen C1847200, MONDO:0011743, OMIM 606889.

Allele frequency attached by ClinVar (database versions not stated): ESP Exome Variant Server 0.00008; TOPMed 0.00013; gnomAD 0.00018 and 0.00019; 1000 Genomes Project 0.00060; 1000 Genomes Project 30x 0.00062; ExAC 0.00018; gnomAD exomes 0.00019 and 0.00012.
gnomAD v4.1: 200 of 1,614,128 alleles (0.012%); highest among the groups gnomAD compares: East Asian, 0.089%; no homozygotes.

Submissions (6):

Women's Health and Genetics/Laboratory Corporation of America, LabCorp
Classification: Likely benign. Last evaluated: 2026-06-17. Review status: criteria provided, single submitter. Criteria: LabCorp Variant Classification Summary - May 2015. Collection method: clinical testing. Allele origin: germline.
Comment: Variant summary: PSEN2 c.166G>A (p.Gly56Ser) results in a non-conservative amino acid change in the encoded protein sequence. Algorithms developed to predict the effect of missense changes on protein structure and function are either unavailable or do not agree on the potential impact of this missense change. The variant allele was found at a frequency of 0.00012 in 1461798 control chromosomes, predominantly at a frequency of 0.001 within the East Asian subpopulation in the gnomAD v4 database (exomes data). The observed variant frequency within East Asian control individuals in the gnomAD database exceeds the estimated maximal expected allele frequency for disease-causing variants in PSEN2. c.166G>A has been reported in the literature in individuals affected with Parkinson Disease (Ibanez_2018) and Alzheimer Disease (Shim_2022). These reports do not provide unequivocal conclusions about association of the variant with disease. To our knowledge, no experimental evidence demonstrating an impact on protein function has been reported. The following publications have been ascertained in the context of this evaluation (PMID: 29692703, 35328387). ClinVar contains an entry for this variant (Variation ID: 191770). Based on the evidence outlined above, the variant was classified as likely benign.

Labcorp Genetics (formerly Invitae), Labcorp
Classification: Likely benign for Alzheimer disease 4. Last evaluated: 2025-12-24. Review status: criteria provided, single submitter. Criteria: Invitae Variant Classification Sherloc (09022015). Collection method: clinical testing. Allele origin: germline.

Mayo Clinic Laboratories, Mayo Clinic
Classification: Uncertain significance. Last evaluated: 2025-10-21. Review status: criteria provided, single submitter. Criteria: ACMG Guidelines, 2015. Collection method: clinical testing. Allele origin: germline. Observed: 1 variant allele.
Comment: BS2

Athena Diagnostics
Classification: Likely benign. Last evaluated: 2018-06-29. Review status: criteria provided, single submitter. Criteria: Athena Diagnostics Criteria. Collection method: clinical testing. Allele origin: germline.

Biesecker Lab/Clinical Genomics Section, National Institutes of Health
Classification: Uncertain significance. Last evaluated: 2013-06-24. Review status: criteria provided, single submitter. Criteria: Ng et al. (Circ Cardiovasc Genet. 2013). Collection method: research. Allele origin: unknown. Observed: 1 variant allele. Study: ClinSeq.
Comment: The study set was not selected for affection status in relation to any cancer. Pathogenicity categories were based on literature curation. See Pubmed ID:23861362 for details.

Medical sequencing

PreventionGenetics, part of Exact Sciences
Classification: Likely benign for PSEN2-related condition. Last evaluated: 2022-08-24. Review status: no assertion criteria provided. Collection method: clinical testing. Allele origin: germline. Not counted in ClinVar's aggregate classification.
Comment: This variant is classified as likely benign based on ACMG/AMP sequence variant interpretation guidelines (Richards et al. 2015 PMID: 25741868, with internal and published modifications).

Literature cited by the submitters: PubMed 29692703 (cited by Women's Health and Genetics/Laboratory Corporation of America, LabCorp); PubMed 35328387 (cited by Women's Health and Genetics/Laboratory Corporation of America, LabCorp and Mayo Clinic Laboratories, Mayo Clinic).

NM_000447.3(PSEN2):c.166G>A (p.Gly56Ser)

Gene: PSEN2 (presenilin 2; plus strand). Cytogenetic location: 1q42.13.
Variant type: single nucleotide variant.
Coding change: c.166G>A on transcript NM_000447.3 (MANE Select); coding-DNA position 166, G replaced by A.
Protein change: p.Gly56Ser; replaces glycine 56 with serine.
Molecular consequence: missense variant.
Genome position (GRCh38, 1-based): chr1:226,883,729, G>A. VCF-style: chr1-226883729-G-A. GRCh37 (hg19) VCF-style: chr1-227071430-G-A.
Other names: p.Gly56Ser; c.166G>A, p.Gly56Ser (NM_012486.3); short protein forms G56S.
Identifiers: ClinVar variation 191770 (VCV000191770.16), dbSNP rs188598190, ClinGen allele CA237501.